The following is an entry in ClinVar:

ClinVar aggregate classification (germline): Likely benign. Review status: criteria provided, multiple submitters, no conflicts (2 of 4 stars). 3 submissions from 3 submitters: Likely benign (3). Last evaluated 2025-12-06.

Conditions:
IMPDH1-related disorder. Also called: IMPDH1-related disorders; IMPDH1-related condition.

Allele frequency attached by ClinVar (database versions not stated): gnomAD exomes 0.00001; ExAC 0.00002; gnomAD 0.00006 and 0.00009; TOPMed 0.00009.
gnomAD v4.1: 51 of 1,612,530 alleles (0.0032%); highest among the groups gnomAD compares: Admixed American, 0.01%; no homozygotes.

Submissions (3):

Labcorp Genetics (formerly Invitae), Labcorp
Classification: Likely benign. Last evaluated: 2025-12-06. Review status: criteria provided, single submitter. Criteria: Invitae Variant Classification Sherloc (09022015). Collection method: clinical testing. Allele origin: germline.

PreventionGenetics, part of Exact Sciences
Classification: Likely benign for IMPDH1-related condition. Last evaluated: 2025-07-08. Review status: criteria provided, single submitter. Criteria: ACMG Guidelines, 2015. Collection method: clinical testing. Allele origin: germline.
Comment: This variant is classified as likely benign based on ACMG/AMP sequence variant interpretation guidelines (Richards et al. 2015 PMID: 25741868, with internal and published modifications).

Blueprint Genetics
Classification: Likely benign. Last evaluated: 2023-08-22. Review status: criteria provided, single submitter. Criteria: ACMG Guidelines, 2015. Collection method: clinical testing. Allele origin: germline.

NM_000883.4(IMPDH1):c.639C>T (p.Gly213=)

Gene: IMPDH1 (inosine monophosphate dehydrogenase 1; minus strand). Cytogenetic location: 7q32.1.
Variant type: single nucleotide variant.
Coding change: c.639C>T on transcript NM_000883.4 (MANE Select); coding-DNA position 639, C replaced by T.
Protein change: p.Gly213=; no amino-acid change (glycine 213 retained).
Molecular consequence: synonymous variant.
Genome position (GRCh38, 1-based): chr7:128,400,480, G>A on the plus strand (C>T on the coding strand, the complement: IMPDH1 is on the minus strand). VCF-style: chr7-128400480-G-A. GRCh37 (hg19) VCF-style: chr7-128040534-G-A.
Other names: c.639C>T (NM_000883.3); c.609C>T, p.Gly203= (NM_001102605.2); c.384C>T, p.Gly128= (NM_001142573.2); c.369C>T, p.Gly123= (NM_001142574.2); c.309C>T, p.Gly103= (NM_001142575.2); c.540C>T, p.Gly180= (NM_001142576.2); c.432C>T, p.Gly144= (NM_001304521.2); c.531C>T, p.Gly177= (NM_183243.3).
Identifiers: ClinVar variation 1389108 (VCV001389108.10), dbSNP rs776742214, ClinGen allele CA4471089.
Genomic context (GRCh38, chr7:128,400,480, plus strand): 5'-GCCCGTCTCAGTGATGGGGATGCCAGAGAAGCCATGCCGCATCTTGGCCTCCAGCACATC[G>A]CCCACAGTGTGCGAGGGGCTCAGCACCACAGGGTCCGTGATGAAGCCCTGTTCAAACTTC-3'
Protein context (NP_000874.2, residues 203-223): PVVLSPSHTV[Gly213=]DVLEAKMRHG